The following is an entry in ClinVar:

NM_007294.4(BRCA1):c.54G>A (p.Met18Ile)

Gene: BRCA1 (BRCA1 DNA repair associated; minus strand). Cytogenetic location: 17q21.31.
Variant type: single nucleotide variant.
Coding change: c.54G>A on transcript NM_007294.4 (MANE Select); coding-DNA position 54, G replaced by A.
Protein change: p.Met18Ile; replaces methionine 18 with isoleucine.
Molecular consequence: missense variant. On other transcripts: 5 prime UTR variant (1), non-coding transcript variant (1).
Genome position (GRCh38, 1-based): chr17:43,124,043, C>T on the plus strand (G>A on the coding strand, the complement: BRCA1 is on the minus strand). VCF-style: chr17-43124043-C-T. GRCh37 (hg19) VCF-style: chr17-41276060-C-T.
Other names: c.54G>A, p.Met18Ile (NM_001407860.1, NM_001407861.1, NM_001407862.1 and 193 more transcripts); c.-135G>A (NM_001407879.1, NM_001407882.1, NM_001407884.1 and 46 more transcripts); c.-81G>A (NM_001407881.1, NM_001407898.1, NM_001407902.1); c.-251G>A (NM_001407889.1, NM_001408492.1); c.-254G>A (NM_001407917.1, NM_001407954.1, NM_001408513.1); c.-233G>A (NM_001407920.1, NM_001407697.1, NM_001407846.1); c.-207G>A (NM_001407921.1, NM_001407923.1, NM_001407927.1 and 22 more transcripts); c.-34G>A (NM_001407924.1, NM_001407925.1, NM_001407928.1 and 23 more transcripts); and 8 more; short protein forms M18I.
Identifiers: ClinVar variation 825781 (VCV000825781.9), dbSNP rs1597923450, ClinGen allele CA10602051.

ClinVar aggregate classification (germline): Conflicting classifications of pathogenicity. Review status: criteria provided, conflicting classifications (1 of 4 stars). 2 submissions from 2 submitters: Uncertain significance (1); Likely benign (1). Last evaluated 2025-03-04.

Conditions:
Hereditary cancer-predisposing syndrome. Also called: Hereditary Cancer Syndrome; Hereditary neoplastic syndrome; Neoplastic Syndromes, Hereditary; Tumor predisposition. Identifiers: Orphanet 140162, MedGen C0027672, MeSH D009386, MONDO:0015356.
Breast-ovarian cancer, familial, susceptibility to, 1 (BROVCA1). Also called: OVARIAN CANCER, SUSCEPTIBILITY TO; BRCA1 Hereditary Breast and Ovarian Cancer. Identifiers: Orphanet 145, MedGen C2676676, MONDO:0011450, OMIM 604370. Disease mechanism: loss of function.

Allele frequency attached by ClinVar (database versions not stated): gnomAD exomes below 0.00001; gnomAD 0.00001.

Submissions (3):

Ambry Genetics
Classification: Uncertain significance for Hereditary cancer-predisposing syndrome. Last evaluated: 2025-03-04. Review status: criteria provided, single submitter. Criteria: Ambry Variant Classification Scheme 2023. Collection method: clinical testing. Allele origin: germline.
Comment: The p.M18I variant (also known as c.54G>A), located in coding exon 1 of the BRCA1 gene, results from a G to A substitution at nucleotide position 54. The methionine at codon 18 is replaced by isoleucine, an amino acid with highly similar properties. This amino acid position is highly conserved in available vertebrate species. In addition, the in silico prediction for this alteration is inconclusive. Based on the available evidence, the clinical significance of this variant remains unclear.

Lupski Lab, Baylor-Hopkins CMG, Baylor College of Medicine
Classification: Likely benign for Breast-ovarian cancer, familial, susceptibility to, 1. Last evaluated: 2024-04-12. Review status: criteria provided, single submitter. Criteria: Dawood et al. (medRxiv. 2024). Collection method: curation. Allele origin: germline.
Comment: Each variant was annotated with functional scores from MAVE data which was translated into functional evidence codes. All other evidence codes and combining criteria were adhered to as closely as possible based on the ClinGen VCEP (Variant Curation Expert Panel) gene-specific recommendations. See Supplemental Figure 34 of final paper (Supp Fig. 28 in preprint: doi:10.1101/2024.04.11.24305690) for a table to see which lines of evidence we did not have data for. The ClinGen VCEPs are highly regarded as the gold-standard for gene-specific variant curation and are developed after extensive evaluation of the evidence by clinical and scientific experts for the particular gene to classify genomic variants on a spectrum from pathogenic to benign using the 2015 ACMG/AMP Variant Interpretation Guidelines as a backbone (PMID: 25741868). Reclassification of these VUS variants from gnomAD or All of Us focused only on variants originally prescribed as VUS in ClinVar. To ensure reproducibility, transparency, and increased throughput, all the procedures for annotating variants and assigning evidence codes were codified using Python. All code has been made freely available and is linked in the Code Availability section and all reclassified variants with evidence codes used can be found in Tables S18-19 (preprint: doi:10.1101/2024.04.11.24305690). For the MAVE data, the clinical curation and clinical strength assignment as per the ClinGen recommendations in Brnich et al. (2020) (PMID: 31892348) for or against pathogenicity or benignity of each of these MAVE datasets utilized in this study were previously published in Fayer et al. (2021) (PMID: 34793697).In brief, for BRCA1 variants, if a variant was categorized as FUNC (functional), it was assigned BS3 evidence and no PS3 evidence, whereas if it was categorized as LOF (loss of function), the variant was assigned PS3 evidence and no BS3 evidence. Variants categorized as INT (intermediate) were left unannotated. For the BRCA1 combining criteria, greater than or equal to 1 criteria of strong benign evidence was enough to reclassify the VUS as Likely Benign. This variant GRCh38:17:43124043:C>T was assigned evidence codes ['BS3', 'BP4'] and an overall classification of Likely benign

Brotman Baty Institute, University of Washington
No classification provided (evidence only). Condition: Breast-ovarian cancer, familial 1. Review status: no classification provided. Collection method: in vitro. Allele origin: not applicable. Functional consequence: functionally_normal. Not counted in ClinVar's aggregate classification.
ClinVar note: "not provided" was previously submitted as the classification for the variant. However, the classification appeared to be based only on an observation of functional data so it was converted to no classification on 2025-07-30.

Literature cited by the submitters: PubMed 39142283 (cited by Lupski Lab, Baylor-Hopkins CMG, Baylor College of Medicine); PubMed 34793697 (cited by Lupski Lab, Baylor-Hopkins CMG, Baylor College of Medicine); DOI 10.1101/2024.04.11.24305690 (cited by Lupski Lab, Baylor-Hopkins CMG, Baylor College of Medicine).